The following is an entry in ClinVar:

ClinVar aggregate classification (germline): Uncertain significance. Review status: criteria provided, multiple submitters, no conflicts (2 of 4 stars). 3 submissions from 3 submitters: Uncertain significance (3). Last evaluated 2022-08-29.

Conditions:
Hereditary cancer-predisposing syndrome. Also called: Hereditary Cancer Syndrome; Hereditary neoplastic syndrome; Neoplastic Syndromes, Hereditary; Tumor predisposition. Identifiers: Orphanet 140162, MedGen C0027672, MeSH D009386, MONDO:0015356.
Hereditary breast ovarian cancer syndrome. Also called: Hereditary breast and/or ovarian cancer syndrome; Breast and ovarian cancer; BRCA1- and BRCA2-Associated Hereditary Breast and Ovarian Cancer; Hereditary breast and ovarian cancer syndrome; Hereditary breast and ovarian cancer syndrome (HBOC); Hereditary breast and ovarian cancer. Identifiers: Orphanet 145, MedGen C0677776, MeSH D061325, MONDO:0003582. Disease mechanism: loss of function.

Submissions (3):

Labcorp Genetics (formerly Invitae), Labcorp
Classification: Uncertain significance for Hereditary breast ovarian cancer syndrome. Last evaluated: 2022-08-29. Review status: criteria provided, single submitter. Criteria: Invitae Variant Classification Sherloc (09022015). Collection method: clinical testing. Allele origin: germline.
Comment: In summary, the available evidence is currently insufficient to determine the role of this variant in disease. Therefore, it has been classified as a Variant of Uncertain Significance. Experimental studies and prediction algorithms are not available or were not evaluated, and the functional significance of this variant is currently unknown. ClinVar contains an entry for this variant (Variation ID: 216873). This variant has not been reported in the literature in individuals affected with BRCA1-related conditions. This variant is not present in population databases (gnomAD no frequency). This variant, c.2155_2163del, results in the deletion of 3 amino acid(s) of the BRCA1 protein (p.Lys719_Phe721del), but otherwise preserves the integrity of the reading frame.

Ambry Genetics
Classification: Uncertain significance for Hereditary cancer-predisposing syndrome. Last evaluated: 2020-10-05. Review status: criteria provided, single submitter. Criteria: Ambry Variant Classification Scheme 2023. Collection method: clinical testing. Allele origin: germline.
Comment: The c.2155_2163delAAAGAATTT variant (also known as p.K719_F721del) is located in coding exon 9 of the BRCA1 gene. This variant results from an in-frame AAAGAATTT deletion at nucleotide positions 2155 to 2163. This results in the in-frame deletion of three amino acid residues at codons 719 to 721. This amino acid region is poorly conserved in available vertebrate species. In addition, this alteration is predicted to be deleterious by in silico analysis (Choi Y et al. PLoS ONE. 2012; 7(10):e46688). Since supporting evidence is limited at this time, the clinical significance of this alteration remains unclear.

Women's Health and Genetics/Laboratory Corporation of America, LabCorp
Classification: Uncertain significance. Last evaluated: 2016-10-03. Review status: criteria provided, single submitter. Criteria: LabCorp Variant Classification Summary - May 2015. Collection method: clinical testing. Allele origin: germline.
Comment: Variant summary: The BRCA1 c.2155_2163delAAAGAATTT (p.Lys719_Phe721del) variant involves the deletion of 3 consecutive non-conserved amino acids that are not within a known functional domain. One in silico tool predicts a benign outcome for this variant. This variant was absent in 121246 control chromosomes. In addition, multiple clinical diagnostic laboratories/reputable databases classified this variant as uncertain significance. The variant of interest has not, to our knowledge, been reported in affected individuals via publications and/or reputable databases/clinical diagnostic laboratories; nor evaluated for functional impact by in vivo/vitro studies. Because of the absence of clinical information and the lack of functional studies, the variant is classified as a variant of uncertain significance (VUS) until additional information becomes available.

NM_007294.4(BRCA1):c.2155_2163del (p.Lys719_Phe721del)

Gene: BRCA1 (BRCA1 DNA repair associated; minus strand). Cytogenetic location: 17q21.31.
Variant type: Deletion.
Coding change: c.2155_2163del on transcript NM_007294.4 (MANE Select); coding-DNA positions 2155 to 2163, 9 bases deleted (AAAGAATTT; older notation c.2155_2163delAAAGAATTT).
Protein change: p.Lys719_Phe721del.
Molecular consequence: inframe deletion. On other transcripts: intron variant (137), inframe indel (1).
Genome position (GRCh38, 1-based): chr17:43,093,368-43,093,376, AAATTCTTT deleted on the plus strand (AAAGAATTT on the coding strand, the reverse complement: BRCA1 is on the minus strand); deleting any 9 consecutive bases within chr17:43,093,368-43,093,378 gives the same sequence; the c. name uses the placement nearest the transcript's 3' end. VCF-style (leftmost placement, unchanged base first): chr17-43093367-CAAATTCTTT-C. GRCh37 (hg19) VCF-style: chr17-41245384-CAAATTCTTT-C.
Other names: c.787+1368_787+1376del (NM_001407981.1, NM_001407978.1, NM_007298.4 and 17 more transcripts); c.643+1368_643+1376del (NM_001408462.1, NM_001408470.1, NM_001408464.1 and 3 more transcripts); c.709+1368_709+1376del (NM_001408414.1, NM_001408411.1, NM_001408412.1 and 2 more transcripts); c.577+1368_577+1376del (NM_001408485.1, NM_001408514.1, NM_001408481.1 and 9 more transcripts); c.574+1368_574+1376del (NM_001408491.1, NM_001408493.1, NM_001408490.1); c.451+1368_451+1376del (NM_001408509.1, NM_001408508.1); c.461-2344_461-2336del (NM_001408506.1, NM_001408507.1); c.2155_2163delAAAGAATTT (NM_007294.3); and 42 more.
Identifiers: ClinVar variation 216873 (VCV000216873.12), dbSNP rs863224841, ClinGen allele CA337040.